The following is an entry in ClinVar:

ClinVar aggregate classification (germline): Uncertain significance. Review status: criteria provided, multiple submitters, no conflicts (2 of 4 stars). 3 submissions from 3 submitters: Uncertain significance (3). Last evaluated 2025-12-31.

Conditions:
Hereditary cancer-predisposing syndrome. Also called: Neoplastic Syndromes, Hereditary; Tumor predisposition; Hereditary Cancer Syndrome; Hereditary neoplastic syndrome. Identifiers: Orphanet 140162, MedGen C0027672, MeSH D009386, MONDO:0015356.
Cardiovascular phenotype. Identifiers: MedGen CN230736.

Submissions (3):

Labcorp Genetics (formerly Invitae), Labcorp
Classification: Uncertain significance. Last evaluated: 2025-12-31. Review status: criteria provided, single submitter. Criteria: Invitae Variant Classification Sherloc (09022015). Collection method: clinical testing. Allele origin: germline.
Comment: This sequence change replaces aspartic acid, which is acidic and polar, with tyrosine, which is neutral and polar, at codon 262 of the LZTR1 protein (p.Asp262Tyr). This variant is not present in population databases (gnomAD no frequency). This variant has not been reported in the literature in individuals affected with LZTR1-related conditions. ClinVar contains an entry for this variant (Variation ID: 1760890). Invitae Evidence Modeling of protein sequence and biophysical properties (such as structural, functional, and spatial information, amino acid conservation, physicochemical variation, residue mobility, and thermodynamic stability) indicates that this missense variant is not expected to disrupt LZTR1 protein function with a negative predictive value of 80%. In summary, the available evidence is currently insufficient to determine the role of this variant in disease. Therefore, it has been classified as a Variant of Uncertain Significance.

GeneDx
Classification: Uncertain significance. Last evaluated: 2024-04-04. Review status: criteria provided, single submitter. Criteria: GeneDx Variant Classification Process June 2021. Collection method: clinical testing. Allele origin: germline. Affected: yes.
Comment: Not observed at significant frequency in large population cohorts (gnomAD); In silico analysis supports that this missense variant has a deleterious effect on protein structure/function; Has not been previously published as pathogenic or benign to our knowledge

Ambry Genetics
Classification: Uncertain significance for Cardiovascular phenotype; Hereditary cancer-predisposing syndrome. Last evaluated: 2022-01-30. Review status: criteria provided, single submitter. Criteria: Ambry Variant Classification Scheme 2023. Collection method: clinical testing. Allele origin: germline.
Comment: The p.D262Y variant (also known as c.784G>T), located in coding exon 8 of the LZTR1 gene, results from a G to T substitution at nucleotide position 784. The aspartic acid at codon 262 is replaced by tyrosine, an amino acid with highly dissimilar properties. This amino acid position is conserved. In addition, this alteration is predicted to be tolerated by in silico analysis. Since supporting evidence is limited at this time, the clinical significance of this alteration remains unclear.

NM_006767.4(LZTR1):c.784G>T (p.Asp262Tyr)

Gene: LZTR1 (leucine zipper like post translational regulator 1; plus strand). Cytogenetic location: 22q11.21.
Variant type: single nucleotide variant.
Coding change: c.784G>T on transcript NM_006767.4 (MANE Select); coding-DNA position 784, G replaced by T.
Protein change: p.Asp262Tyr; replaces aspartic acid 262 with tyrosine.
Molecular consequence: missense variant.
Genome position (GRCh38, 1-based): chr22:20,990,518, G>T. VCF-style: chr22-20990518-G-T. GRCh37 (hg19) VCF-style: chr22-21344807-G-T.
Other names: short protein forms D262Y.
Identifiers: ClinVar variation 1760890 (VCV001760890.4), dbSNP rs772266158, ClinGen allele CA410780705.
Genomic context (GRCh38, chr22:20,990,518, plus strand): 5'-GTATTCTCTGGGCAAAGCGGAGCCAAAATAACCAACAACCTCTTCCAGTTTGAATTCAAG[G>T]ACAAGACGTGAGTACTCTGGCCAGTGGGGTGGAGGGAGGACGGTCAGTTCCCTCGAATCC-3'
Protein context (NP_006758.2, residues 252-272): TNNLFQFEFK[Asp262Tyr]KTWTRIPTEH